The following is an entry in ClinVar:

ClinVar aggregate classification (germline): Uncertain significance (1 of 4 stars; one submission).

Conditions:
Neurodevelopmental disorder with or without hyperkinetic movements and seizures, autosomal dominant. Also called: Intellectual disability, autosomal dominant 8. Identifiers: MedGen C3280282, MONDO:0013655, OMIM 614254.

Submission:

Labcorp Genetics (formerly Invitae), Labcorp
Classification: Uncertain significance for Neurodevelopmental disorder with or without hyperkinetic movements and seizures, autosomal dominant. Last evaluated: 2021-08-25. Review status: criteria provided, single submitter. Criteria: Invitae Variant Classification Sherloc (09022015). Collection method: clinical testing. Allele origin: germline.
Comment: In summary, the available evidence is currently insufficient to determine the role of this variant in disease. Therefore, it has been classified as a Variant of Uncertain Significance. Algorithms developed to predict the effect of sequence changes on RNA splicing suggest that this variant may disrupt the consensus splice site. This sequence change falls in intron 8 of the GRIN1 gene. It does not directly change the encoded amino acid sequence of the GRIN1 protein. This variant is not present in population databases (ExAC no frequency). This variant has not been reported in the literature in individuals affected with GRIN1-related conditions.

NM_007327.4(GRIN1):c.1198-6C>G

Gene: GRIN1 (glutamate ionotropic receptor NMDA type subunit 1; plus strand). Cytogenetic location: 9q34.3.
Variant type: single nucleotide variant.
Coding change: c.1198-6C>G on transcript NM_007327.4 (MANE Select); 6 bases into the intron before coding-DNA position 1198, C replaced by G.
Molecular consequence: intron variant.
Genome position (GRCh38, 1-based): chr9:137,161,050, C>G. VCF-style: chr9-137161050-C-G. GRCh37 (hg19) VCF-style: chr9-140055502-C-G.
Other names: c.1261-6C>G (NM_001185090.2, NM_001185091.2); c.1198-6C>G (NM_021569.4, NM_000832.7).
Identifiers: ClinVar variation 1377503 (VCV001377503.6), dbSNP rs1057521991, ClinGen allele CA2573144403.